The following is an entry in ClinVar:

ClinVar aggregate classification (germline): Uncertain significance (1 of 4 stars; one submission).

Allele frequency attached by ClinVar (database versions not stated): ExAC 0.00001; gnomAD exomes 0.00001.
gnomAD v4.1: 13 of 1,612,404 alleles (0.00081%); highest among the groups gnomAD compares: South Asian, 0.0011%; no homozygotes.

Submission:

Labcorp Genetics (formerly Invitae), Labcorp
Classification: Uncertain significance. Last evaluated: 2021-01-29. Review status: criteria provided, single submitter. Criteria: Invitae Variant Classification Sherloc (09022015). Collection method: clinical testing. Allele origin: germline.
Comment: In summary, the available evidence is currently insufficient to determine the role of this variant in disease. Therefore, it has been classified as a Variant of Uncertain Significance. Algorithms developed to predict the effect of missense changes on protein structure and function output the following: SIFT: "Deleterious"; PolyPhen-2: "Benign"; Align-GVGD: "Class C0". The methionine amino acid residue is found in multiple mammalian species, suggesting that this missense change does not adversely affect protein function. These predictions have not been confirmed by published functional studies and their clinical significance is uncertain. This variant has not been reported in the literature in individuals with ASPM-related conditions. This variant is present in population databases (rs765867212, ExAC 0.002%). This sequence change replaces isoleucine with methionine at codon 3063 of the ASPM protein (p.Ile3063Met). The isoleucine residue is moderately conserved and there is a small physicochemical difference between isoleucine and methionine.

NM_018136.5(ASPM):c.9189A>G (p.Ile3063Met)

Gene: ASPM (assembly factor for spindle microtubules; minus strand). Cytogenetic location: 1q31.3.
Variant type: single nucleotide variant.
Coding change: c.9189A>G on transcript NM_018136.5 (MANE Select); coding-DNA position 9189, A replaced by G.
Protein change: p.Ile3063Met; replaces isoleucine 3063 with methionine.
Molecular consequence: missense variant.
Genome position (GRCh38, 1-based): chr1:197,093,157, T>C on the plus strand (A>G on the coding strand, the complement: ASPM is on the minus strand). VCF-style: chr1-197093157-T-C. GRCh37 (hg19) VCF-style: chr1-197062287-T-C.
Other names: c.4434A>G, p.Ile1478Met (NM_001206846.2); short protein forms I1478M, I3063M.
Identifiers: ClinVar variation 1367811 (VCV001367811.8), dbSNP rs765867212, ClinGen allele CA1309019.